The following is an entry in ClinVar:

NM_024408.4(NOTCH2):c.909G>A (p.Leu303=)

Gene: NOTCH2 (notch receptor 2; minus strand). Cytogenetic location: 1p12.
Variant type: single nucleotide variant.
Coding change: c.909G>A on transcript NM_024408.4 (MANE Select); coding-DNA position 909, G replaced by A.
Protein change: p.Leu303=; no amino-acid change (leucine 303 retained).
Molecular consequence: synonymous variant.
Genome position (GRCh38, 1-based): chr1:119,969,710, C>T on the plus strand (G>A on the coding strand, the complement: NOTCH2 is on the minus strand). VCF-style: chr1-119969710-C-T. GRCh37 (hg19) VCF-style: chr1-120512333-C-T.
Other names: c.909G>A, p.Leu303= (NM_001200001.2); c.909G>A (NM_024408.3).
Identifiers: ClinVar variation 1603824 (VCV001603824.10), dbSNP rs781969024, ClinGen allele CA1040650.

ClinVar aggregate classification (germline): Likely benign. Review status: criteria provided, single submitter (1 of 4 stars). 2 submissions from 2 submitters: Likely benign (1). 1 of the submissions does not count toward it. Last evaluated 2026-01-12.

Conditions:
NOTCH2-related disorder. Also called: NOTCH2-related condition.
Hajdu-Cheney syndrome (HJCYS). Also called: SERPENTINE FIBULA-POLYCYSTIC KIDNEY SYNDROME; Acroosteolysis dominant type; ACROOSTEOLYSIS WITH OSTEOPOROSIS AND CHANGES IN SKULL AND MANDIBLE. Identifiers: Orphanet 955, MedGen C0917715, MONDO:0007057, OMIM 102500.

Allele frequency attached by ClinVar (database versions not stated): gnomAD exomes below 0.00001; ExAC 0.00001.
gnomAD v4.1: 1 of 1,614,118 alleles (0.000062%); highest among the groups gnomAD compares: Admixed American, 0.0017%; no homozygotes.

Submissions (2):

Labcorp Genetics (formerly Invitae), Labcorp
Classification: Likely benign for Hajdu-Cheney syndrome. Last evaluated: 2026-01-12. Review status: criteria provided, single submitter. Criteria: Invitae Variant Classification Sherloc (09022015). Collection method: clinical testing. Allele origin: germline.

PreventionGenetics, part of Exact Sciences
Classification: Likely benign for NOTCH2-related condition. Last evaluated: 2020-11-03. Review status: no assertion criteria provided. Collection method: clinical testing. Allele origin: germline. Not counted in ClinVar's aggregate classification.
Comment: This variant is classified as likely benign based on ACMG/AMP sequence variant interpretation guidelines (Richards et al. 2015 PMID: 25741868, with internal and published modifications).